The following is an entry in ClinVar:

ClinVar aggregate classification (germline): Uncertain significance. Review status: criteria provided, multiple submitters, no conflicts (2 of 4 stars). 2 submissions from 2 submitters: Uncertain significance (2). Last evaluated 2024-08-12.

Conditions:
Gastrointestinal stromal tumor. Also called: Gastrointestinal stromal tumor, somatic; Gastrointestinal stroma tumor. Identifiers: Orphanet 44890, MedGen C0238198, MeSH D046152, MONDO:0011719, OMIM 606764, HP:0100723.
Hereditary cancer-predisposing syndrome. Also called: Neoplastic Syndromes, Hereditary; Tumor predisposition; Hereditary Cancer Syndrome; Hereditary neoplastic syndrome. Identifiers: Orphanet 140162, MedGen C0027672, MeSH D009386, MONDO:0015356.

Submissions (2):

Ambry Genetics
Classification: Uncertain significance for Hereditary cancer-predisposing syndrome. Last evaluated: 2024-08-12. Review status: criteria provided, single submitter. Criteria: Ambry Variant Classification Scheme 2023. Collection method: clinical testing. Allele origin: germline.
Comment: The p.T389P variant (also known as c.1165A>C), located in coding exon 7 of the KIT gene, results from an A to C substitution at nucleotide position 1165. The threonine at codon 389 is replaced by proline, an amino acid with highly similar properties. This amino acid position is conserved. In addition, this alteration is predicted to be tolerated by in silico analysis. Since supporting evidence is limited at this time, the clinical significance of this alteration remains unclear.

Labcorp Genetics (formerly Invitae), Labcorp
Classification: Uncertain significance for Gastrointestinal stromal tumor. Last evaluated: 2018-09-24. Review status: criteria provided, single submitter. Criteria: Invitae Variant Classification Sherloc (09022015). Collection method: clinical testing. Allele origin: germline.
Comment: This sequence change replaces threonine with proline at codon 389 of the KIT protein (p.Thr389Pro). The threonine residue is moderately conserved and there is a small physicochemical difference between threonine and proline. This variant is not present in population databases (ExAC no frequency). In summary, the available evidence is currently insufficient to determine the role of this variant in disease. Therefore, it has been classified as a Variant of Uncertain Significance. Algorithms developed to predict the effect of missense changes on protein structure and function output the following: SIFT: "Tolerated"; PolyPhen-2: "Benign"; Align-GVGD: "Class C0". The proline amino acid residue is found in multiple mammalian species, suggesting that this missense change does not adversely affect protein function. These predictions have not been confirmed by published functional studies and their clinical significance is uncertain. This variant has not been reported in the literature in individuals with KIT-related disease.

NM_000222.3(KIT):c.1165A>C (p.Thr389Pro)

Gene: KIT (KIT proto-oncogene, receptor tyrosine kinase; plus strand). Cytogenetic location: 4q12.
Variant type: single nucleotide variant.
Coding change: c.1165A>C on transcript NM_000222.3 (MANE Select); coding-DNA position 1165, A replaced by C.
Protein change: p.Thr389Pro; replaces threonine 389 with proline.
Molecular consequence: missense variant.
Genome position (GRCh38, 1-based): chr4:54,709,473, A>C. VCF-style: chr4-54709473-A-C. GRCh37 (hg19) VCF-style: chr4-55575639-A-C.
Other names: c.1165A>C, p.Thr389Pro (NM_001093772.2, NM_001385285.1, NM_001385286.1); c.1168A>C, p.Thr390Pro (NM_001385284.1, NM_001385288.1, NM_001385290.1 and 1 more transcripts); short protein forms T389P, T390P.
Identifiers: ClinVar variation 656632 (VCV000656632.12), dbSNP rs1577970160, ClinGen allele CA356902291.